The following is an entry in ClinVar:

ClinVar aggregate classification (germline): Likely benign (1 of 4 stars; one submission).

Submission:

CeGaT Center for Human Genetics Tuebingen
Classification: Likely benign. Last evaluated: 2025-02-01. Review status: criteria provided, single submitter. Criteria: CeGaT Center For Human Genetics Tuebingen Variant Classification Criteria Version 2. Collection method: clinical testing. Allele origin: germline. Affected: yes. Observed: 1 variant allele.
Comment: RNU2-2: BS2

NR_199791.1(RNU2-2):n.82G>A

Genes: RNU2-2 (RNA, U2 small nuclear 2; minus strand), WDR74 (WD repeat domain 74; minus strand). Cytogenetic location: 11q12.3.
Variant type: single nucleotide variant.
Molecular consequence: non-coding transcript variant (on NR_199791.1). On other transcripts: 5 prime UTR variant (1).
Genome position: GRCh38 VCF-style: chr11-62841728-C-T. GRCh37 (hg19) VCF-style: chr11-62609200-C-T.
Other names: c.-457G>A (NM_001369451.1).
Identifiers: ClinVar variation 4085068 (VCV004085068.8).